The following is an entry in ClinVar:

ClinVar aggregate classification (germline): Uncertain significance. Review status: criteria provided, multiple submitters, no conflicts (2 of 4 stars). 2 submissions from 2 submitters: Uncertain significance (2). Last evaluated 2022-05-24.

Allele frequency attached by ClinVar (database versions not stated): gnomAD exomes 0.00008; ExAC 0.00023.
gnomAD v4.1: 21 of 1,404,970 alleles (0.0015%); highest among the groups gnomAD compares: Middle Eastern, 0.038%; no homozygotes.

Submissions (2):

Labcorp Genetics (formerly Invitae), Labcorp
Classification: Uncertain significance. Last evaluated: 2022-05-24. Review status: criteria provided, single submitter. Criteria: Invitae Variant Classification Sherloc (09022015). Collection method: clinical testing. Allele origin: germline.
Comment: In summary, the available evidence is currently insufficient to determine the role of this variant in disease. Therefore, it has been classified as a Variant of Uncertain Significance. Algorithms developed to predict the effect of sequence changes on RNA splicing suggest that this variant may create or strengthen a splice site. Algorithms developed to predict the effect of missense changes on protein structure and function are either unavailable or do not agree on the potential impact of this missense change (SIFT: "Deleterious"; PolyPhen-2: "Not Available"; Align-GVGD: "Class C0"). This variant has not been reported in the literature in individuals affected with PDZD7-related conditions. This variant is present in population databases (rs775819383, gnomAD 0.05%). This sequence change replaces leucine, which is neutral and non-polar, with glutamine, which is neutral and polar, at codon 746 of the PDZD7 protein (p.Leu746Gln).

GeneDx
Classification: Uncertain significance. Last evaluated: 2022-02-08. Review status: criteria provided, single submitter. Criteria: GeneDx Variant Classification Process June 2021. Collection method: clinical testing. Allele origin: germline. Affected: yes.
Comment: In silico analysis supports that this missense variant does not alter protein structure/function; Has not been previously published as pathogenic or benign to our knowledge

NM_001195263.2(PDZD7):c.2237T>A (p.Leu746Gln)

Gene: PDZD7 (PDZ domain containing 7; minus strand). Cytogenetic location: 10q24.31.
Variant type: single nucleotide variant.
Coding change: c.2237T>A on transcript NM_001195263.2 (MANE Select); coding-DNA position 2237, T replaced by A.
Protein change: p.Leu746Gln; replaces leucine 746 with glutamine.
Molecular consequence: missense variant.
Genome position (GRCh38, 1-based): chr10:101,010,652, A>T on the plus strand (T>A on the coding strand, the complement: PDZD7 is on the minus strand). VCF-style: chr10-101010652-A-T. GRCh37 (hg19) VCF-style: chr10-102770409-A-T.
Other names: short protein forms L746Q.
Identifiers: ClinVar variation 1700511 (VCV001700511.6), dbSNP rs775819383, ClinGen allele CA5653996.